The following is an entry in ClinVar:

NM_000090.4(COL3A1):c.1978-17T>G

Gene: COL3A1 (collagen type III alpha 1 chain; plus strand). Cytogenetic location: 2q32.2.
Variant type: single nucleotide variant.
Coding change: c.1978-17T>G on transcript NM_000090.4 (MANE Select); 17 bases into the intron before coding-DNA position 1978, T replaced by G.
Molecular consequence: intron variant.
Genome position (GRCh38, 1-based): chr2:188,998,657, T>G. VCF-style: chr2-188998657-T-G. GRCh37 (hg19) VCF-style: chr2-189863383-T-G.
Identifiers: ClinVar variation 4735667 (VCV004735667.1).
Genomic context (GRCh38, chr2:188,998,657, plus strand): 5'-TTATATTTACATATTTGCTTATATTTACATAAAATGCACTCTGATATGGGCCTAATCATA[T>G]AATGCCAATCTCCCAGGGTCCAAAGGGTGATGCCGGTGCACCTGGAGCTCCAGGAGGCAA-3'

ClinVar aggregate classification (germline): Uncertain significance (1 of 4 stars; one submission).

Conditions:
Ehlers-Danlos syndrome, type 4 (EDSVASC). Also called: Ehlers-Danlos syndrome vascular type; Ehlers Danlos syndrome, ecchymotic type; Ehlers Danlos syndrome, arterial type; Ehlers Danlos syndrome, Sack-Barabas type; Ehlers-Danlos Syndrome Type IV. Identifiers: Orphanet 286, MedGen C0268338, MONDO:0017314, OMIM 130050.

Submission:

Labcorp Genetics (formerly Invitae), Labcorp
Classification: Uncertain significance for Ehlers-Danlos syndrome, type 4. Last evaluated: 2026-01-18. Review status: criteria provided, single submitter. Criteria: Invitae Variant Classification Sherloc (09022015). Collection method: clinical testing. Allele origin: germline.
Comment: This sequence change falls in intron 28 of the COL3A1 gene. It does not directly change the encoded amino acid sequence of the COL3A1 protein. This variant is not present in population databases (gnomAD no frequency). This variant has not been reported in the literature in individuals affected with COL3A1-related conditions. Algorithms developed to predict the effect of sequence changes on RNA splicing suggest that this variant may disrupt the consensus splice site. In summary, the available evidence is currently insufficient to determine the role of this variant in disease. Therefore, it has been classified as a Variant of Uncertain Significance.